The following is an entry in ClinVar:

ClinVar aggregate classification (germline): Uncertain significance (1 of 4 stars; one submission).

Conditions:
Leigh syndrome (NULS). Also called: Leigh's necrotizing encephalopathy; Leigh's disease; Leigh's syndrome; LEIGH SYNDROME, NUCLEAR; Leigh Syndrome (mtDNA deletion); Leigh Disease. Identifiers: Orphanet 506, MedGen C2931891, MONDO:0009723, OMIM 256000.

Submission:

Wong Mito Lab, Molecular and Human Genetics, Baylor College of Medicine
Classification: Uncertain significance for Leigh syndrome. Last evaluated: 2019-10-17. Review status: criteria provided, single submitter. Criteria: Modified ACMG Guidelines (Unpublished). Collection method: clinical testing. Allele origin: germline.
Comment: The NC_012920.1:m.14873C>T (YP_003024038.1:p.Leu43Phe) variant in MTCYB gene is interpretated to be a Uncertain Significance variant based on the modified ACMG guidelines (unpublished). This variant meets the following evidence codes: BS4

NC_012920.1(MT-CYB):m.14873C>T

Gene: MT-CYB (mitochondrially encoded cytochrome b; plus strand).
Variant type: single nucleotide variant.
Genome position: chrM-14873-C-T.
Identifiers: ClinVar variation 693782 (VCV000693782.1), dbSNP rs879056276, ClinGen allele CA337100185.